The following is an entry in ClinVar:

ClinVar aggregate classification (germline): Uncertain significance (1 of 4 stars; one submission).

Submission:

GeneDx
Classification: Uncertain significance. Last evaluated: 2025-04-25. Review status: criteria provided, single submitter. Criteria: GeneDx Variant Classification Process June 2021. Collection method: clinical testing. Allele origin: germline. Affected: yes.
Comment: De novo variant with confirmed parentage in a patient in published literature from a cohort of individuals with developmental disorders; however, detailed clinical information was not provided, and the patient harbored additional de novo variants (PMID: 33057194); Not observed at significant frequency in large population cohorts (gnomAD); In silico analysis indicates that this missense variant does not alter protein structure/function; This variant is associated with the following publications: (PMID: 33057194, 35982159)

NM_000814.6(GABRB3):c.1321G>A (p.Asp441Asn)

Gene: GABRB3 (gamma-aminobutyric acid type A receptor subunit beta3; minus strand). Cytogenetic location: 15q12.
Variant type: single nucleotide variant.
Coding change: c.1321G>A on transcript NM_000814.6 (MANE Select); coding-DNA position 1321, G replaced by A.
Protein change: p.Asp441Asn; replaces aspartic acid 441 with asparagine.
Molecular consequence: missense variant.
Genome position (GRCh38, 1-based): chr15:26,547,894, C>T on the plus strand (G>A on the coding strand, the complement: GABRB3 is on the minus strand). VCF-style: chr15-26547894-C-T. GRCh37 (hg19) VCF-style: chr15-26793041-C-T.
Other names: c.1066G>A, p.Asp356Asn (NM_001191320.2, NM_001278631.2); c.1108G>A, p.Asp370Asn (NM_001191321.3); c.1321G>A, p.Asp441Asn (NM_021912.5); short protein forms D356N, D370N, D441N.
Identifiers: ClinVar variation 4528257 (VCV004528257.1).
Genomic context (GRCh38, chr15:26,547,894, plus strand): 5'-AAAAAGTGAATGGAAACACGATCCTGGACCATCTGTCTATGGCATTCACATCGGTTAGAT[C>T]AGGTATTTTAATTTTGAGCTGTGAAGACCTCCTCCGTAGATGGGTCTTCTTGTGCGGGAG-3'
Protein context (NP_000805.1, residues 431-451): RSSQLKIKIP[Asp441Asn]LTDVNAIDRW